The following is an entry in ClinVar:

NM_004370.6(COL12A1):c.4661G>A (p.Ser1554Asn)

Gene: COL12A1 (collagen type XII alpha 1 chain; minus strand). Cytogenetic location: 6q13.
Variant type: single nucleotide variant.
Coding change: c.4661G>A on transcript NM_004370.6 (MANE Select); coding-DNA position 4661, G replaced by A.
Protein change: p.Ser1554Asn; replaces serine 1554 with asparagine.
Molecular consequence: missense variant.
Genome position (GRCh38, 1-based): chr6:75,145,355, C>T on the plus strand (G>A on the coding strand, the complement: COL12A1 is on the minus strand). VCF-style: chr6-75145355-C-T. GRCh37 (hg19) VCF-style: chr6-75855071-C-T.
Other names: c.1169G>A, p.Ser390Asn (NM_080645.3); c.4661G>A (NM_004370.5); short protein forms S390N, S1554N.
Identifiers: ClinVar variation 1376089 (VCV001376089.7), dbSNP rs780006734, ClinGen allele CA3893388.

ClinVar aggregate classification (germline): Uncertain significance. Review status: criteria provided, multiple submitters, no conflicts (2 of 4 stars). 2 submissions from 2 submitters: Uncertain significance (2). Last evaluated 2025-07-01.

Conditions:
Inborn genetic diseases. Identifiers: MedGen C0950123, MeSH D030342.
Ullrich congenital muscular dystrophy 2 (UCMD2). Identifiers: Orphanet 75840, MedGen C4225314, MONDO:0014654, OMIM 616470.
Bethlem myopathy 2 (BTHLM2). Identifiers: Orphanet 536516, Orphanet 610, MedGen C4225313, MONDO:0034022, OMIM 616471.

Allele frequency attached by ClinVar (database versions not stated): gnomAD exomes below 0.00001 and 0.00001; TOPMed below 0.00001; ExAC 0.00001.
gnomAD v4.1: 1 of 1,613,186 alleles (0.000062%); highest among the groups gnomAD compares: Admixed American, 0.0017%; no homozygotes.

Submissions (2):

Ambry Genetics
Classification: Uncertain significance for Inborn genetic diseases. Last evaluated: 2025-07-01. Review status: criteria provided, single submitter. Criteria: Ambry Variant Classification Scheme 2023. Collection method: clinical testing. Allele origin: germline.

Labcorp Genetics (formerly Invitae), Labcorp
Classification: Uncertain significance for Bethlem myopathy 2; Ullrich congenital muscular dystrophy 2. Last evaluated: 2022-08-09. Review status: criteria provided, single submitter. Criteria: Invitae Variant Classification Sherloc (09022015). Collection method: clinical testing. Allele origin: germline.
Comment: Algorithms developed to predict the effect of missense changes on protein structure and function are either unavailable or do not agree on the potential impact of this missense change (SIFT: "Deleterious"; PolyPhen-2: "Possibly Damaging"; Align-GVGD: "Class C0"). ClinVar contains an entry for this variant (Variation ID: 1376089). This variant has not been reported in the literature in individuals affected with COL12A1-related conditions. This variant is present in population databases (rs780006734, gnomAD 0.006%). This sequence change replaces serine, which is neutral and polar, with asparagine, which is neutral and polar, at codon 1554 of the COL12A1 protein (p.Ser1554Asn). In summary, the available evidence is currently insufficient to determine the role of this variant in disease. Therefore, it has been classified as a Variant of Uncertain Significance.